The following is an entry in ClinVar:

NM_139343.3(BIN1):c.727C>G (p.Gln243Glu)

Gene: BIN1 (bridging integrator 1; minus strand). Cytogenetic location: 2q14.3.
Variant type: single nucleotide variant.
Coding change: c.727C>G on transcript NM_139343.3 (MANE Select); coding-DNA position 727, C replaced by G.
Protein change: p.Gln243Glu; replaces glutamine 243 with glutamic acid.
Molecular consequence: missense variant.
Genome position (GRCh38, 1-based): chr2:127,063,618, G>C on the plus strand (C>G on the coding strand, the complement: BIN1 is on the minus strand). VCF-style: chr2-127063618-G-C. GRCh37 (hg19) VCF-style: chr2-127821194-G-C.
Other names: c.634C>G, p.Gln212Glu (NM_004305.4, NM_139346.3, NM_139347.3 and 6 more transcripts); c.727C>G, p.Gln243Glu (NM_139344.3, NM_139345.3, NM_001320633.2 and 1 more transcripts); c.562C>G, p.Gln188Glu (NM_001320634.1); c.646C>G, p.Gln216Glu (NM_001320642.1); short protein forms Q212E, Q243E, Q188E, Q216E.
Identifiers: ClinVar variation 2993325 (VCV002993325.3), dbSNP rs2467329963, ClinGen allele CA348381972.

ClinVar aggregate classification (germline): Uncertain significance (1 of 4 stars; one submission).

Conditions:
Myopathy, centronuclear, 2 (CNM2). Also called: MYOTUBULAR MYOPATHY, AUTOSOMAL RECESSIVE. Identifiers: Orphanet 169186, MedGen CN031787, MONDO:0009709, OMIM 255200.

Submission:

Labcorp Genetics (formerly Invitae), Labcorp
Classification: Uncertain significance for Myopathy, centronuclear, 2. Last evaluated: 2023-01-20. Review status: criteria provided, single submitter. Criteria: Invitae Variant Classification Sherloc (09022015). Collection method: clinical testing. Allele origin: germline.
Comment: In summary, the available evidence is currently insufficient to determine the role of this variant in disease. Therefore, it has been classified as a Variant of Uncertain Significance. Advanced modeling of protein sequence and biophysical properties (such as structural, functional, and spatial information, amino acid conservation, physicochemical variation, residue mobility, and thermodynamic stability) performed at Invitae indicates that this missense variant is expected to disrupt BIN1 protein function. This variant has not been reported in the literature in individuals affected with BIN1-related conditions. This variant is not present in population databases (gnomAD no frequency). This sequence change replaces glutamine, which is neutral and polar, with glutamic acid, which is acidic and polar, at codon 243 of the BIN1 protein (p.Gln243Glu).